The following is an entry in ClinVar:

NM_001170629.2(CHD8):c.2867G>A (p.Arg956His)

Gene: CHD8 (chromodomain helicase DNA binding protein 8; minus strand). Cytogenetic location: 14q11.2.
Variant type: single nucleotide variant.
Coding change: c.2867G>A on transcript NM_001170629.2 (MANE Select); coding-DNA position 2867, G replaced by A.
Protein change: p.Arg956His; replaces arginine 956 with histidine.
Molecular consequence: missense variant.
Genome position (GRCh38, 1-based): chr14:21,406,896, C>T on the plus strand (G>A on the coding strand, the complement: CHD8 is on the minus strand). VCF-style: chr14-21406896-C-T. GRCh37 (hg19) VCF-style: chr14-21875055-C-T.
Other names: c.2030G>A, p.Arg677His (NM_020920.4); short protein forms R677H, R956H.
Identifiers: ClinVar variation 1676886 (VCV001676886.5), dbSNP rs2139478439, ClinGen allele CA388873899.

ClinVar aggregate classification (germline): Likely pathogenic (1 of 4 stars; one submission).

Submission:

GeneDx
Classification: Likely pathogenic. Last evaluated: 2026-10-22. Review status: criteria provided, single submitter. Criteria: GeneDx Variant Classification Process June 2021. Collection method: clinical testing. Allele origin: germline.
Comment: Has not been previously published as pathogenic or benign to our knowledge; Not observed at significant frequency in large population cohorts (gnomAD); In silico analysis supports that this missense variant has a deleterious effect on protein structure/function